The following is an entry in ClinVar:

ClinVar aggregate classification (germline): Uncertain significance (1 of 4 stars; one submission).

Allele frequency attached by ClinVar (database versions not stated): gnomAD exomes below 0.00001 and 0.00001; TOPMed below 0.00001; gnomAD 0.00001.
gnomAD v4.1: 11 of 1,611,902 alleles (0.00068%); highest among the groups gnomAD compares: Non-Finnish European, 0.00085%; no homozygotes.

Submission:

Labcorp Genetics (formerly Invitae), Labcorp
Classification: Uncertain significance. Last evaluated: 2025-04-28. Review status: criteria provided, single submitter. Criteria: Invitae Variant Classification Sherloc (09022015). Collection method: clinical testing. Allele origin: germline.
Comment: This sequence change replaces glutamine, which is neutral and polar, with lysine, which is basic and polar, at codon 857 of the CEP250 protein (p.Gln857Lys). The frequency data for this variant in the population databases is considered unreliable, as metrics indicate poor data quality at this position in the gnomAD database. This variant has not been reported in the literature in individuals affected with CEP250-related conditions. ClinVar contains an entry for this variant (Variation ID: 853312). An algorithm developed to predict the effect of missense changes on protein structure and function (PolyPhen-2) suggests that this variant is likely to be tolerated. In summary, the available evidence is currently insufficient to determine the role of this variant in disease. Therefore, it has been classified as a Variant of Uncertain Significance.

NM_007186.6(CEP250):c.2569C>A (p.Gln857Lys)

Genes: CEP250 (centrosomal protein 250; plus strand), CEP250-AS1 (CEP250 antisense RNA 1; minus strand). Cytogenetic location: 20q11.22.
Variant type: single nucleotide variant.
Coding change: c.2569C>A on transcript NM_007186.6 (MANE Select); coding-DNA position 2569, C replaced by A.
Protein change: p.Gln857Lys; replaces glutamine 857 with lysine.
Molecular consequence: missense variant.
Genome position (GRCh38, 1-based): chr20:35,480,128, C>A. VCF-style: chr20-35480128-C-A. GRCh37 (hg19) VCF-style: chr20-34067953-C-A.
Other names: c.673C>A, p.Gln225Lys (NM_001318219.1); short protein forms Q225K, Q857K.
Identifiers: ClinVar variation 853312 (VCV000853312.10), dbSNP rs1487610954, ClinGen allele CA408770120.